The following is an entry in ClinVar:

NM_000289.6(PFKM):c.1723_1726delinsTATAGGTATGAGCC (p.Gly575fs)

Gene: PFKM (phosphofructokinase, muscle; plus strand). Cytogenetic location: 12q13.11.
Variant type: Indel.
Coding change: c.1723_1726delinsTATAGGTATGAGCC on transcript NM_000289.6 (MANE Select); coding-DNA positions 1723 to 1726, GGCT replaced by TATAGGTATGAGCC.
Protein change: p.Gly575fs; shifts the reading frame from glycine 575.
Molecular consequence: frameshift variant. On other transcripts: non-coding transcript variant (6).
Genome position (GRCh38, 1-based): chr12:48,142,851-48,142,854, GGCT replaced by TATAGGTATGAGCC. VCF-style: chr12-48142851-GGCT-TATAGGTATGAGCC. GRCh37 (hg19) VCF-style: chr12-48536634-GGCT-TATAGGTATGAGCC.
Other names: c.1936_1939delinsTATAGGTATGAGCC, p.Gly646fs (NM_001166686.2, NM_001354737.1, NM_001354738.1 and 1 more transcripts); c.1723_1726delinsTATAGGTATGAGCC, p.Gly575fs (NM_001166687.2, NM_001166688.2, NM_001354742.2 and 2 more transcripts); c.2032_2035delinsTATAGGTATGAGCC, p.Gly678fs (NM_001354735.1, NM_001354736.1); c.1867_1870delinsTATAGGTATGAGCC, p.Gly623fs (NM_001354740.1); c.1747_1750delinsTATAGGTATGAGCC, p.Gly583fs (NM_001354741.2); c.1636_1639delinsTATAGGTATGAGCC, p.Gly546fs (NM_001354745.2); c.1597_1600delinsTATAGGTATGAGCC, p.Gly533fs (NM_001354746.2); c.1573_1576delinsTATAGGTATGAGCC, p.Gly525fs (NM_001354747.2, NM_001354748.2); and 2 more; short protein forms G525fs, G533fs, G544fs, G546fs, G575fs, G583fs, G615fs, G623fs.
Identifiers: ClinVar variation 5010855 (VCV005010855.1).

ClinVar aggregate classification (germline): Pathogenic (1 of 4 stars; one submission).

Conditions:
Glycogen storage disease, type VII (GSD7). Also called: GSD VII; MUSCLE PHOSPHOFRUCTOKINASE DEFICIENCY; PFKM DEFICIENCY; TARUI DISEASE. Identifiers: Orphanet 371, MedGen C0017926, MONDO:0009295, OMIM 232800.

Submission:

Myriad Genetics, Inc.
Classification: Pathogenic for Glycogen storage disease, type VII. Last evaluated: 2024-05-14. Review status: criteria provided, single submitter. Criteria: Myriad Autosomal Dominant, Autosomal Recessive and X-Linked Classification Criteria (2023). Collection method: clinical testing. Allele origin: unknown.
Comment: NM_001166686.1(PFKM):c.1936_1939del4ins14(G646Yfs*26) is expected to be pathogenic in the context of glycogen storage disease, PFKM-related. This variant is predicted to lead to an abnormal or absent protein product due to the creation of a premature termination codon in PFKM, a gene where loss-of-function variants are known to be pathogenic. Please note: this variant was assessed in the context of healthy population screening.